The following is an entry in ClinVar:

ClinVar aggregate classification (germline): Likely pathogenic. Review status: criteria provided, multiple submitters, no conflicts (2 of 4 stars). 2 submissions from 2 submitters: Likely pathogenic (2). Last evaluated 2025-08-27.

Conditions:
Glycogen storage disease, type V (GSD5). Also called: McArdle type glycogen storage disease; MCARDLE DISEASE; MUSCLE GLYCOGEN PHOSPHORYLASE DEFICIENCY; MYOPHOSPHORYLASE DEFICIENCY; PYGM DEFICIENCY. Identifiers: Orphanet 368, MedGen C0017924, MONDO:0009293, OMIM 232600.

Submissions (2):

Natera, Inc.
Classification: Likely pathogenic for Glycogen storage disease V. Last evaluated: 2025-08-27. Review status: criteria provided, single submitter. Criteria: Natera Variant Classification Schema (03/2026). Collection method: clinical testing. Allele origin: germline.
Comment: The c.1636_1639delTTTG variant in PYGM is a frameshift variant predicted to shift the reading frame beginning at codon 546 and leads to a stop codon 4 codons downstream. This variant is expected to result in nonsense mediated decay, truncation, or a dysfunctional protein product. This variant is rare in the general population with a frequency below the threshold expected for the associated phenotype(s). Given the available evidence, this variant is classified as Likely Pathogenic.

Baylor Genetics
Classification: Likely pathogenic for Glycogen storage disease, type V. Last evaluated: 2022-08-10. Review status: criteria provided, single submitter. Criteria: ACMG Guidelines, 2015. Collection method: clinical testing. Allele origin: unknown.

NM_005609.4(PYGM):c.1636_1639del (p.Phe546fs)

Gene: PYGM (glycogen phosphorylase, muscle associated; minus strand). Cytogenetic location: 11q13.1.
Variant type: Deletion.
Coding change: c.1636_1639del on transcript NM_005609.4 (MANE Select); coding-DNA positions 1636 to 1639, 4 bases deleted (TTTG; older notation c.1636_1639delTTTG).
Protein change: p.Phe546fs; shifts the reading frame from phenylalanine 546.
Molecular consequence: frameshift variant.
Genome position (GRCh38, 1-based): chr11:64,752,053-64,752,056, CAAA deleted on the plus strand (TTTG on the coding strand, the reverse complement: PYGM is on the minus strand); deleting any 4 consecutive bases within chr11:64,752,053-64,752,057 gives the same sequence; the c. name uses the placement nearest the transcript's 3' end. VCF-style (leftmost placement, unchanged base first): chr11-64752052-GCAAA-G. GRCh37 (hg19) VCF-style: chr11-64519524-GCAAA-G.
Other names: c.1372_1375del, p.Phe458fs (NM_001164716.1); c.1636_1639delTTTG (NM_005609.3); short protein forms F458fs, F546fs.
Identifiers: ClinVar variation 2678142 (VCV002678142.2), dbSNP rs2496652676, ClinGen allele CA2695198900.
Genomic context (GRCh38, chr11:64,752,052, plus strand): 5'-TGGATGTCGAAGAGTGAGTTGGGGTTGATGTGGACTTTGTATTCCCTCTCTAGGTAGGCA[GCAAA>G]CTTCAACTTGTTTTCCTGGAGGCAGAGACGGGGAAGGGCTCACCAACAGGCCACAGCCTC-3'